The following is an entry in ClinVar:

ClinVar aggregate classification (germline): Uncertain significance. Review status: criteria provided, multiple submitters, no conflicts (2 of 4 stars). 3 submissions from 3 submitters: Uncertain significance (3). Last evaluated 2026-10-22.

Conditions:
Mitochondrial complex I deficiency, nuclear type 9. Also called: Mitochondrial complex 1 deficiency, nuclear type 9. Identifiers: MedGen C4748767, MONDO:0032615, OMIM 618232.

Allele frequency attached by ClinVar (database versions not stated): gnomAD exomes 0.00007; 1000 Genomes Project 0.00060; gnomAD 0.00064; ESP Exome Variant Server 0.00070; TOPMed 0.00072; ExAC 0.00018; 1000 Genomes Project 30x 0.00047.

Submissions (3):

GeneDx
Classification: Uncertain significance. Last evaluated: 2026-10-22. Review status: criteria provided, single submitter. Criteria: GeneDx Variant Classification Process June 2021. Collection method: clinical testing. Allele origin: germline.
Comment: Described as a variant of uncertain significance in an individual with hypertrophic cardiomyopathy (PMID: 32746448); In silico analysis suggests that this missense variant does not alter protein structure/function; This variant is associated with the following publications: (PMID: 32746448)

Labcorp Genetics (formerly Invitae), Labcorp
Classification: Uncertain significance. Last evaluated: 2022-04-24. Review status: criteria provided, single submitter. Criteria: Invitae Variant Classification Sherloc (09022015). Collection method: clinical testing. Allele origin: germline.
Comment: This sequence change replaces alanine, which is neutral and non-polar, with valine, which is neutral and non-polar, at codon 18 of the NDUFS6 protein (p.Ala18Val). This variant is present in population databases (rs138379386, gnomAD 0.2%). This variant has not been reported in the literature in individuals affected with NDUFS6-related conditions. Algorithms developed to predict the effect of missense changes on protein structure and function (SIFT, PolyPhen-2, Align-GVGD) all suggest that this variant is likely to be tolerated. Algorithms developed to predict the effect of sequence changes on RNA splicing suggest that this variant may create or strengthen a splice site. In summary, the available evidence is currently insufficient to determine the role of this variant in disease. Therefore, it has been classified as a Variant of Uncertain Significance.

Revvity Omics, Revvity
Classification: Uncertain significance for Mitochondrial complex I deficiency, nuclear type 9. Last evaluated: 2019-06-10. Review status: criteria provided, single submitter. Criteria: ACMG Guidelines, 2015. Collection method: clinical testing. Allele origin: germline.

NM_004553.6(NDUFS6):c.53C>T (p.Ala18Val)

Gene: NDUFS6 (NADH:ubiquinone oxidoreductase subunit S6; plus strand). Cytogenetic location: 5p15.33.
Variant type: single nucleotide variant.
Coding change: c.53C>T on transcript NM_004553.6 (MANE Select); coding-DNA position 53, C replaced by T.
Protein change: p.Ala18Val; replaces alanine 18 with valine.
Molecular consequence: missense variant.
Genome position (GRCh38, 1-based): chr5:1,801,470, C>T. VCF-style: chr5-1801470-C-T. GRCh37 (hg19) VCF-style: chr5-1801584-C-T.
Other names: c.53C>T (NM_004553.3, NM_004553.5); short protein forms A18V.
Identifiers: ClinVar variation 2202065 (VCV002202065.6), dbSNP rs138379386, ClinGen allele CA3187535.
Genomic context (GRCh38, chr5:1,801,470, plus strand): 5'-GGCGCAAAATGGCGGCGGCGATGACCTTCTGCCGGCTGCTGAACCGGTGTGGCGAGGCGG[C>T]GCGGAGCCTGCCCCTGGGCGCCAGGTGTTTCGGGGTGCGGGTCTCGCCGACCGGGGAGAA-3'
Protein context (NP_004544.1, residues 8-28): CRLLNRCGEA[Ala18Val]RSLPLGARCF